The following is an entry in ClinVar:

NM_020937.4(FANCM):c.1501C>G (p.Pro501Ala)

Gene: FANCM (FA complementation group M; plus strand). Cytogenetic location: 14q21.2.
Variant type: single nucleotide variant.
Coding change: c.1501C>G on transcript NM_020937.4 (MANE Select); coding-DNA position 1501, C replaced by G.
Protein change: p.Pro501Ala; replaces proline 501 with alanine.
Molecular consequence: missense variant.
Genome position (GRCh38, 1-based): chr14:45,159,200, C>G. VCF-style: chr14-45159200-C-G. GRCh37 (hg19) VCF-style: chr14-45628403-C-G.
Other names: c.1423C>G, p.Pro475Ala (NM_001308133.2); c.1501C>G, p.Pro501Ala (NM_001308134.2); short protein forms P475A, P501A.
Identifiers: ClinVar variation 849684 (VCV000849684.10), dbSNP rs1887404285, ClinGen allele CA389592587.

ClinVar aggregate classification (germline): Uncertain significance. Review status: criteria provided, multiple submitters, no conflicts (2 of 4 stars). 2 submissions from 2 submitters: Uncertain significance (2). Last evaluated 2024-11-23.

Conditions:
Inborn genetic diseases. Identifiers: MedGen C0950123, MeSH D030342.
Fanconi anemia (FA). Also called: Fanconi's anemia. Identifiers: Orphanet 84, MedGen C0015625, MeSH D005199, MONDO:0019391.

Submissions (2):

Ambry Genetics
Classification: Uncertain significance for Inborn genetic diseases. Last evaluated: 2024-11-23. Review status: criteria provided, single submitter. Criteria: Ambry Variant Classification Scheme 2023. Collection method: clinical testing. Allele origin: germline.
Comment: The p.P501A variant (also known as c.1501C>G), located in coding exon 9 of the FANCM gene, results from a C to G substitution at nucleotide position 1501. The proline at codon 501 is replaced by alanine, an amino acid with highly similar properties. This amino acid position is conserved. In addition, this alteration is predicted to be tolerated by in silico analysis. Based on the available evidence, the clinical significance of this variant remains unclear.

Labcorp Genetics (formerly Invitae), Labcorp
Classification: Uncertain significance for Fanconi anemia. Last evaluated: 2024-06-06. Review status: criteria provided, single submitter. Criteria: Invitae Variant Classification Sherloc (09022015). Collection method: clinical testing. Allele origin: germline.
Comment: This sequence change replaces proline, which is neutral and non-polar, with alanine, which is neutral and non-polar, at codon 501 of the FANCM protein (p.Pro501Ala). This variant is not present in population databases (gnomAD no frequency). This variant has not been reported in the literature in individuals affected with FANCM-related conditions. ClinVar contains an entry for this variant (Variation ID: 849684). An algorithm developed to predict the effect of missense changes on protein structure and function (PolyPhen-2) suggests that this variant is likely to be disruptive. In summary, the available evidence is currently insufficient to determine the role of this variant in disease. Therefore, it has been classified as a Variant of Uncertain Significance.